The following is an entry in ClinVar:

ClinVar aggregate classification (germline): Uncertain significance. Review status: criteria provided, multiple submitters, no conflicts (2 of 4 stars). 4 submissions from 4 submitters: Uncertain significance (4). Last evaluated 2026-01-24.

Conditions:
X-linked spondyloepimetaphyseal dysplasia. Identifiers: Orphanet 93349, MedGen C1848097, MONDO:0010248, OMIM 300106.
BGN-related disorder. Also called: BGN-related condition.
Cardiovascular phenotype. Identifiers: MedGen CN230736.

Allele frequency attached by ClinVar (database versions not stated): TOPMed 0.00001; ExAC 0.00002; gnomAD exomes 0.00002.

Submissions (4):

Labcorp Genetics (formerly Invitae), Labcorp
Classification: Uncertain significance. Last evaluated: 2026-01-24. Review status: criteria provided, single submitter. Criteria: Invitae Variant Classification Sherloc (09022015). Collection method: clinical testing. Allele origin: germline.
Comment: This sequence change replaces arginine, which is basic and polar, with histidine, which is basic and polar, at codon 6 of the BGN protein (p.Arg6His). This variant is present in population databases (rs781931209, gnomAD 0.005%). This variant has not been reported in the literature in individuals affected with BGN-related conditions. ClinVar contains an entry for this variant (Variation ID: 1033440). An algorithm developed to predict the effect of missense changes on protein structure and function (PolyPhen-2) suggests that this variant is likely to be tolerated. In summary, the available evidence is currently insufficient to determine the role of this variant in disease. Therefore, it has been classified as a Variant of Uncertain Significance.

PreventionGenetics, part of Exact Sciences
Classification: Uncertain significance for BGN-related condition. Last evaluated: 2024-12-18. Review status: criteria provided, single submitter. Criteria: ACMG Guidelines, 2015. Collection method: clinical testing. Allele origin: germline.
Comment: The BGN c.17G>A variant is predicted to result in the amino acid substitution p.Arg6His. To our knowledge, this variant has not been reported in the literature. This variant is reported in 0.0054% of alleles in individuals of South Asian descent in gnomAD. At this time, the clinical significance of this variant is uncertain due to the absence of conclusive functional and genetic evidence.

Ambry Genetics
Classification: Uncertain significance for Cardiovascular phenotype. Last evaluated: 2023-10-05. Review status: criteria provided, single submitter. Criteria: Ambry Variant Classification Scheme 2023. Collection method: clinical testing. Allele origin: germline.
Comment: The p.R6H variant (also known as c.17G>A), located in coding exon 1 of the BGN gene, results from a G to A substitution at nucleotide position 17. The arginine at codon 6 is replaced by histidine, an amino acid with highly similar properties. This amino acid position is conserved. In addition, this alteration is predicted to be tolerated by in silico analysis. Since supporting evidence is limited at this time, the clinical significance of this alteration remains unclear.

Baylor Genetics
Classification: Uncertain significance for X-linked spondyloepimetaphyseal dysplasia. Last evaluated: 2018-05-10. Review status: criteria provided, single submitter. Criteria: ACMG Guidelines, 2015. Collection method: clinical testing. Allele origin: unknown. Affected: yes.
Comment: This variant was determined to be of uncertain significance according to ACMG Guidelines, 2015 [PMID:25741868].

NM_001711.6(BGN):c.17G>A (p.Arg6His)

Gene: BGN (biglycan; plus strand). Cytogenetic location: Xq28.
Variant type: single nucleotide variant.
Coding change: c.17G>A on transcript NM_001711.6 (MANE Select); coding-DNA position 17, G replaced by A.
Protein change: p.Arg6His; replaces arginine 6 with histidine.
Molecular consequence: missense variant.
Genome position (GRCh38, 1-based): chrX:153,504,648, G>A. VCF-style: chrX-153504648-G-A. GRCh37 (hg19) VCF-style: chrX-152770106-G-A.
Other names: c.17G>A (NM_001711.5); short protein forms R6H.
Identifiers: ClinVar variation 1033440 (VCV001033440.6), dbSNP rs781931209, ClinGen allele CA10547109.